The following is an entry in ClinVar:

NM_152703.5(SAMD9L):c.3683T>A (p.Met1228Lys)

Gene: SAMD9L (sterile alpha motif domain containing 9 like; minus strand). Cytogenetic location: 7q21.2.
Variant type: single nucleotide variant.
Coding change: c.3683T>A on transcript NM_152703.5 (MANE Select); coding-DNA position 3683, T replaced by A.
Protein change: p.Met1228Lys; replaces methionine 1228 with lysine.
Molecular consequence: missense variant.
Genome position (GRCh38, 1-based): chr7:93,132,289, A>T on the plus strand (T>A on the coding strand, the complement: SAMD9L is on the minus strand). VCF-style: chr7-93132289-A-T. GRCh37 (hg19) VCF-style: chr7-92761602-A-T.
Other names: c.3683T>A, p.Met1228Lys (NM_001303496.3, NM_001303497.3, NM_001303498.3 and 5 more transcripts); short protein forms M1228K.
Identifiers: ClinVar variation 3792387 (VCV003792387.1).

ClinVar aggregate classification (germline): Uncertain significance (1 of 4 stars; one submission).

Conditions:
Inborn genetic diseases. Identifiers: MedGen C0950123, MeSH D030342.

Submission:

Ambry Genetics
Classification: Uncertain significance for Inborn genetic diseases. Last evaluated: 2025-02-03. Review status: criteria provided, single submitter. Criteria: Ambry Variant Classification Scheme 2023. Collection method: clinical testing. Allele origin: germline.
Comment: The p.M1228K variant (also known as c.3683T>A), located in coding exon 1 of the SAMD9L gene, results from a T to A substitution at nucleotide position 3683. The methionine at codon 1228 is replaced by lysine, an amino acid with similar properties. This amino acid position is conserved. In addition, this alteration is predicted to be tolerated by in silico analysis. Based on the available evidence, the clinical significance of this variant remains unclear.